The following is an entry in ClinVar:

NM_001040716.2(PC):c.1168dup (p.Asp390fs)

Gene: PC (pyruvate carboxylase; minus strand). Cytogenetic location: 11q13.2.
Variant type: Duplication.
Coding change: c.1168dup on transcript NM_001040716.2 (MANE Select); coding-DNA position 1168, one base duplicated (G; older notation c.1168dupG).
Protein change: p.Asp390fs; shifts the reading frame from aspartic acid 390.
Molecular consequence: frameshift variant.
Genome position (GRCh38, 1-based): chr11:66,866,204, C duplicated on the plus strand (G on the coding strand, the reverse complement: PC is on the minus strand); the first of 2 consecutive C bases (chr11:66,866,204-66,866,205); duplicating either gives the same sequence. VCF-style (leftmost placement, unchanged base first): chr11-66866203-T-TC. GRCh37 (hg19) VCF-style: chr11-66633674-T-TC.
Other names: c.1168dup, p.Asp390fs (NM_000920.4, NM_022172.3); short protein forms D390fs.
Identifiers: ClinVar variation 950725 (VCV000950725.7), dbSNP rs1946484568, ClinGen allele CA1139662049.
Genomic context (GRCh38, chr11:66,866,203, plus strand): 5'-TGCACAGGTGAGCTGGCATCTCCCTCTGCTCGAGCTCCGCCCACCTCAATGCGGCCGGTG[T>TC]CCGGCTGGAAGCTGCGCGCGGGGTCCTCGGTGGTGACCCGGCACTGGATGGCACACCCGT-3'

ClinVar aggregate classification (germline): Pathogenic (1 of 4 stars; one submission).

Conditions:
Pyruvate carboxylase deficiency. Also called: LEIGH NECROTIZING ENCEPHALOPATHY DUE TO PYRUVATE CARBOXYLASE DEFICIENCY; LEIGH SYNDROME DUE TO PYRUVATE CARBOXYLASE DEFICIENCY; PC DEFICIENCY; ATAXIA WITH LACTIC ACIDOSIS II; Pyruvate Carboxylase Deficiency Disease. Identifiers: Orphanet 3008, MedGen C0034341, MONDO:0009949, OMIM 266150.

Submission:

Labcorp Genetics (formerly Invitae), Labcorp
Classification: Pathogenic for Pyruvate carboxylase deficiency. Last evaluated: 2019-05-13. Review status: criteria provided, single submitter. Criteria: Invitae Variant Classification Sherloc (09022015). Collection method: clinical testing. Allele origin: germline.
Comment: For these reasons, this variant has been classified as Pathogenic. Loss-of-function variants in PC are known to be pathogenic (PMID: 12112657, 19306334). This variant has not been reported in the literature in individuals with PC-related conditions. This variant is not present in population databases (ExAC no frequency). This sequence change creates a premature translational stop signal (p.Asp390Glyfs*6) in the PC gene. It is expected to result in an absent or disrupted protein product.

Literature cited by the submitters: PubMed 12112657; PubMed 19306334.